The following is an entry in ClinVar:

NM_005591.4(MRE11):c.880A>G (p.Met294Val)

Gene: MRE11 (MRE11 double strand break repair nuclease; minus strand). Cytogenetic location: 11q21.
Variant type: single nucleotide variant.
Coding change: c.880A>G on transcript NM_005591.4 (MANE Select); coding-DNA position 880, A replaced by G.
Protein change: p.Met294Val; replaces methionine 294 with valine.
Molecular consequence: missense variant.
Genome position (GRCh38, 1-based): chr11:94,470,608, T>C on the plus strand (A>G on the coding strand, the complement: MRE11 is on the minus strand). VCF-style: chr11-94470608-T-C. GRCh37 (hg19) VCF-style: chr11-94203774-T-C.
Other names: c.880A>G, p.Met294Val (NM_001330347.2, NM_005590.4); short protein forms M294V.
Identifiers: ClinVar variation 186023 (VCV000186023.17), dbSNP rs786202636, ClinGen allele CA193648.

ClinVar aggregate classification (germline): Uncertain significance. Review status: criteria provided, multiple submitters, no conflicts (2 of 4 stars). 4 submissions from 4 submitters: Uncertain significance (4). Last evaluated 2025-05-15.

Conditions:
Ataxia-telangiectasia-like disorder (ATLD). Identifiers: MedGen C1858391, MONDO:0011457.
Hereditary cancer-predisposing syndrome. Also called: Hereditary neoplastic syndrome; Neoplastic Syndromes, Hereditary; Tumor predisposition; Hereditary Cancer Syndrome. Identifiers: Orphanet 140162, MedGen C0027672, MeSH D009386, MONDO:0015356.
Ataxia-telangiectasia-like disorder 1 (ATLD1). Identifiers: Orphanet 251347, MedGen C4012790, MONDO:0024557, OMIM 604391.

Allele frequency attached by ClinVar (database versions not stated): gnomAD 0.00001; gnomAD exomes 0.00002; TOPMed 0.00002.
gnomAD v4.1: 38 of 1,613,144 alleles (0.0024%); highest among the groups gnomAD compares: Non-Finnish European, 0.0027%; no homozygotes.

Submissions (4):

Ambry Genetics
Classification: Uncertain significance for Hereditary cancer-predisposing syndrome. Last evaluated: 2025-05-15. Review status: criteria provided, single submitter. Criteria: Ambry Variant Classification Scheme 2023. Collection method: clinical testing. Allele origin: germline.
Comment: The p.M294V variant (also known as c.880A>G), located in coding exon 8 of the MRE11A gene, results from an A to G substitution at nucleotide position 880. The methionine at codon 294 is replaced by valine, an amino acid with highly similar properties. This amino acid position is highly conserved in available vertebrate species. In addition, this alteration is predicted to be deleterious by in silico analysis. Since supporting evidence is limited at this time, the clinical significance of this alteration remains unclear.

Quest Diagnostics Nichols Institute San Juan Capistrano
Classification: Uncertain significance. Last evaluated: 2023-11-12. Review status: criteria provided, single submitter. Criteria: Quest Diagnostics criteria. Collection method: clinical testing. Allele origin: unknown.

Baylor Genetics
Classification: Uncertain significance for Ataxia-telangiectasia-like disorder 1. Last evaluated: 2023-09-08. Review status: criteria provided, single submitter. Criteria: ACMG Guidelines, 2015. Collection method: clinical testing. Allele origin: unknown.

Labcorp Genetics (formerly Invitae), Labcorp
Classification: Uncertain significance for Ataxia-telangiectasia-like disorder. Last evaluated: 2023-08-10. Review status: criteria provided, single submitter. Criteria: Invitae Variant Classification Sherloc (09022015). Collection method: clinical testing. Allele origin: germline.
Comment: An algorithm developed to predict the effect of missense changes on protein structure and function (PolyPhen-2) suggests that this variant is likely to be tolerated. In summary, the available evidence is currently insufficient to determine the role of this variant in disease. Therefore, it has been classified as a Variant of Uncertain Significance. This sequence change replaces methionine, which is neutral and non-polar, with valine, which is neutral and non-polar, at codon 294 of the MRE11 protein (p.Met294Val). This variant is present in population databases (rs786202636, gnomAD 0.01%). This variant has not been reported in the literature in individuals affected with MRE11-related conditions. ClinVar contains an entry for this variant (Variation ID: 186023).

Literature cited by the submitters: PubMed 33471991 (cited by Quest Diagnostics Nichols Institute San Juan Capistrano).